The following is an entry in ClinVar:

NM_138694.4(PKHD1):c.10452dup (p.Leu3485fs)

Gene: PKHD1 (PKHD1 ciliary IPT domain containing fibrocystin/polyductin; minus strand). Cytogenetic location: 6p12.3.
Variant type: Duplication.
Coding change: c.10452dup on transcript NM_138694.4 (MANE Select); coding-DNA position 10452, one base duplicated (T; older notation c.10452dupT).
Protein change: p.Leu3485fs; shifts the reading frame from leucine 3485.
Molecular consequence: frameshift variant.
Genome position (GRCh38, 1-based): chr6:51,659,674, A duplicated on the plus strand (T on the coding strand, the reverse complement: PKHD1 is on the minus strand); the first of 6 consecutive A bases (chr6:51,659,674-51,659,679); duplicating any one gives the same sequence. VCF-style (leftmost placement, unchanged base first): chr6-51659673-G-GA. GRCh37 (hg19) VCF-style: chr6-51524471-G-GA.
Other names: p.Leu3485Serfs*18; c.10452dup (NM_138694.3); short protein forms L3485fs.
Identifiers: ClinVar variation 189084 (VCV000189084.26), dbSNP rs771623148, ClinGen allele CA274359.
Genomic context (GRCh38, chr6:51,659,673, plus strand): 5'-TCTGGAGCTCATGGTAGAATACAGCCAAGAGAAGCTTGGAGGTACTTTTGTTCCCCAATA[G>GA]AAAAAAGCGCAAAACTTGAGGAGTTTGATCCATGAAGCAGACTTTGGTGATTTGCCTGAT-3'

ClinVar aggregate classification (germline): Pathogenic. Review status: criteria provided, multiple submitters, no conflicts (2 of 4 stars). 9 submissions from 9 submitters: Pathogenic (7). 2 of the submissions do not count toward it. Last evaluated 2025-07-20.

Conditions:
Polycystic kidney disease 4 (PKD4). Also called: POLYCYSTIC KIDNEY AND HEPATIC DISEASE 1; POLYCYSTIC KIDNEY DISEASE, INFANTILE, TYPE I; PKD3; Autosomal Recessive Polycystic Kidney Disease – PKHD1; POLYCYSTIC KIDNEY DISEASE 4 WITH OR WITHOUT POLYCYSTIC LIVER DISEASE. Identifiers: MedGen C4540575, MONDO:0033004, OMIM 263200.
Autosomal recessive polycystic kidney disease (ARPKD). Also called: AR polycystic kidney disease. Identifiers: Orphanet 731, Orphanet 8378, MedGen C0085548, MeSH D017044, MONDO:0009889.

Submissions (9):

Natera, Inc.
Classification: Pathogenic for Autosomal recessive polycystic kidney disease. Last evaluated: 2025-07-20. Review status: criteria provided, single submitter. Criteria: Natera Variant Classification Schema (03/2026). Collection method: clinical testing. Allele origin: germline.
Comment: The c.10452dupT variant in PKHD1 is a frameshift variant predicted to shift the reading frame beginning at codon 3485 and leads to a stop codon 18 codons downstream. This variant is expected to result in nonsense mediated decay, truncation, or a dysfunctional protein product. This variant is rare in the general population with a frequency below the threshold expected for the associated phenotype(s). This variant has been observed in one or more individuals affected with the associated recessive disease, as either homozygous or compound heterozygous with a second variant (PMID: 15108281, 30655312). Given the available evidence, this variant is classified as Pathogenic.

Labcorp Genetics (formerly Invitae), Labcorp
Classification: Pathogenic for Autosomal recessive polycystic kidney disease. Last evaluated: 2025-06-22. Review status: criteria provided, single submitter. Criteria: Invitae Variant Classification Sherloc (09022015). Collection method: clinical testing. Allele origin: germline.
Comment: This sequence change creates a premature translational stop signal (p.Leu3485Serfs*18) in the PKHD1 gene. It is expected to result in an absent or disrupted protein product. Loss-of-function variants in PKHD1 are known to be pathogenic (PMID: 19940839). This variant is present in population databases (rs771623148, gnomAD 0.007%). This premature translational stop signal has been observed in individual(s) with autosomal recessive polycystic kidney disease (PMID: 15108281, 19914852). ClinVar contains an entry for this variant (Variation ID: 189084). For these reasons, this variant has been classified as Pathogenic.

Mayo Clinic Laboratories, Mayo Clinic
Classification: Pathogenic. Last evaluated: 2025-01-29. Review status: criteria provided, single submitter. Criteria: ACMG Guidelines, 2015. Collection method: clinical testing. Allele origin: germline. Observed: 1 variant allele.
Comment: PM2_supporting, PM3, PVS1

Fulgent Genetics
Classification: Pathogenic for Polycystic kidney disease 4. Last evaluated: 2024-03-30. Review status: criteria provided, single submitter. Criteria: ACMG Guidelines, 2015. Collection method: clinical testing. Allele origin: germline.

Baylor Genetics
Classification: Pathogenic for Polycystic kidney disease 4. Last evaluated: 2024-02-15. Review status: criteria provided, single submitter. Criteria: ACMG Guidelines, 2015. Collection method: clinical testing. Allele origin: unknown.

Department of Molecular and Human Genetics, Baylor College of Medicine
Classification: Pathogenic for Polycystic kidney disease 4. Last evaluated: 2020-04-16. Review status: criteria provided, single submitter. Criteria: ACMG Guidelines, 2015. Collection method: clinical testing. Allele origin: inherited. Affected: yes. Observed: 1 heterozygote.

Women's Health and Genetics/Laboratory Corporation of America, LabCorp
Classification: Pathogenic for Autosomal recessive polycystic kidney disease. Last evaluated: 2018-02-02. Review status: criteria provided, single submitter. Criteria: LabCorp Variant Classification Summary - May 2015. Collection method: clinical testing. Allele origin: germline.
Comment: Variant summary: PKHD1 c.10452dupT (p.Leu3485SerfsX18) results in a premature termination codon, predicted to cause a truncation of the encoded protein or absence of the protein due to nonsense mediated decay, which are commonly known mechanisms for disease. Truncations downstream of this position have been classified as pathogenic by our laboratory (eg. c.10637delT/p.Val3546fsX22, c.11314C>T/p.Arg3772X). The variant allele was found at a frequency of 4.1e-06 in 245374 control chromosomes. c.10452dupT has been reported in the literature in individuals affected with Polycystic Kidney and Hepatic Disease. These data indicate that the variant may be associated with disease. To our knowledge, no experimental evidence demonstrating an impact on protein function has been reported. One clinical diagnostic laboratory classified this variant as likely pathogenic. Many truncation variants downstream have been reported in affected individuals, such as c.10639dupC, c.11339dupC, c.11408dupA, and c.11538dupT, suggesting the functional importance of the C-terminal region of this protein. Based on the evidence outlined above, the variant was classified as pathogenic.

Yale Center for Mendelian Genomics, Yale University
Classification: Pathogenic for Autosomal recessive polycystic kidney disease. Last evaluated: 2019-01-17. Review status: no assertion criteria provided. Collection method: literature only. Allele origin: germline. Affected: yes. Observed: 1 compound heterozygote. Study: Yale Center for Mendelian Genomics. Not counted in ClinVar's aggregate classification.

Counsyl
Classification: Likely pathogenic for Polycystic kidney disease, infantile type. Last evaluated: 2014-12-10. Review status: no assertion criteria provided. Collection method: literature only. Allele origin: unknown. Inheritance: Autosomal recessive inheritance. Not counted in ClinVar's aggregate classification.

Literature cited by the submitters: PubMed 15108281 (cited by 5 submitters); PubMed 30655312 (cited by 3 submitters); PubMed 19940839 (cited by Labcorp Genetics (formerly Invitae), Labcorp); PubMed 19914852 (cited by 4 submitters); PubMed 30927425 (cited by Mayo Clinic Laboratories, Mayo Clinic); PubMed 32576985 (cited by Mayo Clinic Laboratories, Mayo Clinic and Department of Molecular and Human Genetics, Baylor College of Medicine); PubMed 36846174 (cited by Mayo Clinic Laboratories, Mayo Clinic); PubMed 15108277 (cited by Women's Health and Genetics/Laboratory Corporation of America, LabCorp).